The following is an entry in ClinVar:

ClinVar aggregate classification (germline): Conflicting classifications of pathogenicity. Review status: criteria provided, conflicting classifications (1 of 4 stars). 2 submissions from 2 submitters: Uncertain significance (1); Likely benign (1). Last evaluated 2023-10-01.

Conditions:
Aortic aneurysm, familial thoracic 4 (AAT4). Also called: AORTIC ANEURYSM/AORTIC DISSECTION AND PATENT DUCTUS ARTERIOSUS. Identifiers: MedGen C1851504, MONDO:0007568, OMIM 132900.

Submissions (2):

CeGaT Center for Human Genetics Tuebingen
Classification: Uncertain significance. Last evaluated: 2023-10-01. Review status: criteria provided, single submitter. Criteria: CeGaT Center For Human Genetics Tuebingen Variant Classification Criteria Version 2. Collection method: clinical testing. Allele origin: germline. Affected: yes. Observed: 1 variant allele.
Comment: MYH11: PM2, BP4

Labcorp Genetics (formerly Invitae), Labcorp
Classification: Likely benign for Aortic aneurysm, familial thoracic 4. Last evaluated: 2021-10-09. Review status: criteria provided, single submitter. Criteria: Invitae Variant Classification Sherloc (09022015). Collection method: clinical testing. Allele origin: germline.

NM_002474.3(MYH11):c.5786+7A>G

Genes: MYH11 (myosin heavy chain 11; minus strand), NDE1 (nudE neurodevelopment protein 1; plus strand). Cytogenetic location: 16p13.11.
Variant type: single nucleotide variant.
Coding change: c.5786+7A>G on transcript NM_002474.3 (MANE Select); 7 bases into the intron after coding-DNA position 5786, A replaced by G.
Molecular consequence: intron variant.
Genome position (GRCh38, 1-based): chr16:15,714,902, T>C on the plus strand (A>G on the coding strand, the complement: MYH11 is on the minus strand). VCF-style: chr16-15714902-T-C. GRCh37 (hg19) VCF-style: chr16-15808759-T-C.
Other names: c.948-9289T>C (NM_001143979.2, NM_017668.3); c.5786+7A>G (NM_022844.3); c.5807+7A>G (NM_001040114.2, NM_001040113.2).
Identifiers: ClinVar variation 1587181 (VCV001587181.31), dbSNP rs2151191747, ClinGen allele CA2573151889.